The following is an entry in ClinVar:

NM_138961.3(ESAM):c.450G>C (p.Leu150=)

Gene: ESAM (endothelial cell adhesion molecule; minus strand). Cytogenetic location: 11q24.2.
Variant type: single nucleotide variant.
Coding change: c.450G>C on transcript NM_138961.3 (MANE Select); coding-DNA position 450, G replaced by C.
Protein change: p.Leu150=; no amino-acid change (leucine 150 retained).
Molecular consequence: synonymous variant.
Genome position (GRCh38, 1-based): chr11:124,756,542, C>G on the plus strand (G>C on the coding strand, the complement: ESAM is on the minus strand). VCF-style: chr11-124756542-C-G. GRCh37 (hg19) VCF-style: chr11-124626438-C-G.
Identifiers: ClinVar variation 3388284 (VCV003388284.14).

ClinVar aggregate classification (germline): Likely benign (1 of 4 stars; one submission).

Submission:

CeGaT Center for Human Genetics Tuebingen
Classification: Likely benign. Last evaluated: 2024-10-01. Review status: criteria provided, single submitter. Criteria: CeGaT Center For Human Genetics Tuebingen Variant Classification Criteria Version 2. Collection method: clinical testing. Allele origin: germline. Affected: yes. Observed: 1 variant allele.
Comment: ESAM: BP4, BP7